The following is an entry in ClinVar:

NM_001122681.2(SH3BP2):c.387T>G (p.Ile129Met)

Gene: SH3BP2 (SH3 domain binding protein 2; plus strand). Cytogenetic location: 4p16.3.
Variant type: single nucleotide variant.
Coding change: c.387T>G on transcript NM_001122681.2 (MANE Select); coding-DNA position 387, T replaced by G.
Protein change: p.Ile129Met; replaces isoleucine 129 with methionine.
Molecular consequence: missense variant.
Genome position (GRCh38, 1-based): chr4:2,825,155, T>G. VCF-style: chr4-2825155-T-G. GRCh37 (hg19) VCF-style: chr4-2826882-T-G.
Other names: c.471T>G, p.Ile157Met (NM_001145855.2); c.558T>G, p.Ile186Met (NM_001145856.2); c.387T>G, p.Ile129Met (NM_003023.4); short protein forms I129M, I157M, I186M.
Identifiers: ClinVar variation 3345710 (VCV003345710.1).
Genomic context (GRCh38, chr4:2,825,155, plus strand): 5'-CCGTGCCCACCACAGCCCCGCTGACCTGCAGAGCTGGATGGCCTTGCTGCGCAGGGAGAT[T>G]GGCCACTTCCACGAAAAGAAAGACCTGCCCTTGGACACCAGGTGAGCCCGGGCCCAGGGC-3'
Protein context (NP_001116153.1, residues 119-139): KSWMALLRRE[Ile129Met]GHFHEKKDLP

ClinVar aggregate classification (germline): Uncertain significance (0 of 4 stars; one submission).

Conditions:
SH3BP2-related disorder. Also called: SH3BP2-related condition.

Submission:

PreventionGenetics, part of Exact Sciences
Classification: Uncertain significance for SH3BP2-related condition. Last evaluated: 2024-05-23. Review status: no assertion criteria provided. Collection method: clinical testing. Allele origin: germline.
Comment: The SH3BP2 c.387T>G variant is predicted to result in the amino acid substitution p.Ile129Met. To our knowledge, this variant has not been reported in the literature or in a large population database, indicating this variant is rare. At this time, the clinical significance of this variant is uncertain due to the absence of conclusive functional and genetic evidence.